The following is an entry in ClinVar:

ClinVar aggregate classification (germline): Uncertain significance. Review status: criteria provided, multiple submitters, no conflicts (2 of 4 stars). 2 submissions from 2 submitters: Uncertain significance (2). Last evaluated 2026-08-27.

Conditions:
Hereditary cancer-predisposing syndrome. Also called: Hereditary Cancer Syndrome; Hereditary neoplastic syndrome; Neoplastic Syndromes, Hereditary; Tumor predisposition. Identifiers: Orphanet 140162, MedGen C0027672, MeSH D009386, MONDO:0015356.
Hereditary nonpolyposis colorectal neoplasms. Identifiers: MedGen C0009405, MeSH D003123.

Submissions (2):

Ambry Genetics
Classification: Uncertain significance for Hereditary cancer-predisposing syndrome. Last evaluated: 2026-08-27. Review status: criteria provided, single submitter. Criteria: Ambry Variant Classification Scheme 2023. Collection method: clinical testing. Allele origin: germline.
Comment: The p.R1176T variant (also known as c.3527G>C), located in coding exon 6 of the MSH6 gene, results from a G to C substitution at nucleotide position 3527. The arginine at codon 1176 is replaced by threonine, an amino acid with similar properties. This amino acid position is highly conserved in available vertebrate species. In addition, this alteration is predicted to be deleterious by in silico analysis. Based on the available evidence, the clinical significance of this variant remains unclear.

Labcorp Genetics (formerly Invitae), Labcorp
Classification: Uncertain significance for Hereditary nonpolyposis colorectal neoplasms. Last evaluated: 2025-07-18. Review status: criteria provided, single submitter. Criteria: Invitae Variant Classification Sherloc (09022015). Collection method: clinical testing. Allele origin: germline.
Comment: This sequence change replaces arginine, which is basic and polar, with threonine, which is neutral and polar, at codon 1176 of the MSH6 protein (p.Arg1176Thr). This variant is not present in population databases (gnomAD no frequency). This variant has not been reported in the literature in individuals affected with MSH6-related conditions. ClinVar contains an entry for this variant (Variation ID: 1732314). Invitae Evidence Modeling of protein sequence and biophysical properties (such as structural, functional, and spatial information, amino acid conservation, physicochemical variation, residue mobility, and thermodynamic stability) indicates that this missense variant is expected to disrupt MSH6 protein function with a positive predictive value of 95%. In summary, the available evidence is currently insufficient to determine the role of this variant in disease. Therefore, it has been classified as a Variant of Uncertain Significance.

NM_000179.3(MSH6):c.3527G>C (p.Arg1176Thr)

Gene: MSH6 (mutS homolog 6; plus strand). Cytogenetic location: 2p16.3.
Variant type: single nucleotide variant.
Coding change: c.3527G>C on transcript NM_000179.3 (MANE Select); coding-DNA position 3527, G replaced by C.
Protein change: p.Arg1176Thr; replaces arginine 1176 with threonine.
Molecular consequence: missense variant.
Genome position (GRCh38, 1-based): chr2:47,804,998, G>C. VCF-style: chr2-47804998-G-C. GRCh37 (hg19) VCF-style: chr2-48032137-G-C.
Other names: c.3137G>C, p.Arg1046Thr (NM_001281492.2); c.2621G>C, p.Arg874Thr (NM_001281493.2, NM_001281494.2, NM_001406811.1 and 6 more transcripts); c.3623G>C, p.Arg1208Thr (NM_001406795.1, NM_001406802.1); c.3527G>C, p.Arg1176Thr (NM_001406796.1, NM_001406800.1, NM_001406808.1 and 1 more transcripts); c.3230G>C, p.Arg1077Thr (NM_001406797.1, NM_001406801.1, NM_001406805.1 and 10 more transcripts); c.3353G>C, p.Arg1118Thr (NM_001406798.1); c.3002G>C, p.Arg1001Thr (NM_001406799.1, NM_001406806.1, NM_001406807.1); c.2663G>C, p.Arg888Thr (NM_001406803.1); and 7 more; short protein forms R1001T, R1176T, R874T, R888T, R103T, R1077T, R1150T, R1208T.
Identifiers: ClinVar variation 1732314 (VCV001732314.5), dbSNP rs876661148, ClinGen allele CA346760222.